The following is an entry in ClinVar:

NM_014712.3(SETD1A):c.3848C>T (p.Ser1283Leu)

Gene: SETD1A (SET domain containing 1A, histone lysine methyltransferase; plus strand). Cytogenetic location: 16p11.2.
Variant type: single nucleotide variant.
Coding change: c.3848C>T on transcript NM_014712.3 (MANE Select); coding-DNA position 3848, C replaced by T.
Protein change: p.Ser1283Leu; replaces serine 1283 with leucine.
Molecular consequence: missense variant.
Genome position (GRCh38, 1-based): chr16:30,979,634, C>T. VCF-style: chr16-30979634-C-T. GRCh37 (hg19) VCF-style: chr16-30990955-C-T.
Other names: short protein forms S1283L.
Identifiers: ClinVar variation 3251783 (VCV003251783.1), dbSNP rs1487215730.

ClinVar aggregate classification (germline): Uncertain significance (1 of 4 stars; one submission).

Allele frequency attached by ClinVar (database versions not stated): gnomAD 0.00001; gnomAD exomes 0.00001; TOPMed 0.00001.
gnomAD v4.1: 6 of 1,610,514 alleles (0.00037%); highest among the groups gnomAD compares: East Asian, 0.0089%; no homozygotes.

Submission:

Women's Health and Genetics/Laboratory Corporation of America, LabCorp
Classification: Uncertain significance. Last evaluated: 2024-04-23. Review status: criteria provided, single submitter. Criteria: LabCorp Variant Classification Summary - May 2015. Collection method: clinical testing. Allele origin: germline.
Comment: Variant summary: SETD1A c.3848C>T (p.Ser1283Leu) results in a non-conservative amino acid change in the encoded protein sequence. Four of five in-silico tools predict a benign effect of the variant on protein function. The frequency data for this variant in gnomAD is considered unreliable, as metrics indicate poor data quality at this position. To our knowledge, no occurrence of c.3848C>T in individuals affected with Neurodevelopmental Disorder With Speech Impairment And Dysmorphic Facies and no experimental evidence demonstrating its impact on protein function have been reported. No submitters have cited clinical-significance assessments for this variant to ClinVar. Based on the evidence outlined above, the variant was classified as uncertain significance.